The following is an entry in ClinVar:

NM_000026.4(ADSL):c.403-11C>T

Gene: ADSL (adenylosuccinate lyase; plus strand). Cytogenetic location: 22q13.1.
Variant type: single nucleotide variant.
Coding change: c.403-11C>T on transcript NM_000026.4 (MANE Select); 11 bases into the intron before coding-DNA position 403, C replaced by T.
Molecular consequence: intron variant.
Genome position (GRCh38, 1-based): chr22:40,354,237, C>T. VCF-style: chr22-40354237-C-T. GRCh37 (hg19) VCF-style: chr22-40750241-C-T.
Other names: c.403-11C>T (NM_001363840.3, NM_001123378.3); c.211-11C>T (NM_001317923.2).
Identifiers: ClinVar variation 380738 (VCV000380738.1), dbSNP rs1057520899, ClinGen allele CA16608624.

ClinVar aggregate classification (germline): Likely benign (1 of 4 stars; one submission).

Submission:

GeneDx
Classification: Likely benign. Last evaluated: 2015-10-05. Review status: criteria provided, single submitter. Criteria: GeneDx Variant Classification (06012015). Collection method: clinical testing. Allele origin: germline. Affected: yes.
Comment: This variant is considered likely benign or benign based on one or more of the following criteria: it is a conservative change, it occurs at a poorly conserved position in the protein, it is predicted to be benign by multiple in silico algorithms, and/or has population frequency not consistent with disease.